The following is an entry in ClinVar:

ClinVar aggregate classification (germline): Uncertain significance (1 of 4 stars; one submission).

Allele frequency attached by ClinVar (database versions not stated): gnomAD exomes below 0.00001.
gnomAD v4.1: 1 of 1,584,368 alleles (0.000063%); highest among the groups gnomAD compares: Non-Finnish European, 0.000086%; no homozygotes.

Submission:

GeneDx
Classification: Uncertain significance. Last evaluated: 2022-04-12. Review status: criteria provided, single submitter. Criteria: GeneDx Variant Classification Process June 2021. Collection method: clinical testing. Allele origin: germline. Affected: yes.
Comment: Not observed at significant frequency in large population cohorts (gnomAD); In silico analysis supports that this missense variant does not alter protein structure/function; Has not been previously published as pathogenic or benign to our knowledge

NM_003978.5(PSTPIP1):c.53C>A (p.Ala18Asp)

Gene: PSTPIP1 (proline-serine-threonine phosphatase interacting protein 1; plus strand). Cytogenetic location: 15q24.3.
Variant type: single nucleotide variant.
Coding change: c.53C>A on transcript NM_003978.5 (MANE Select); coding-DNA position 53, C replaced by A.
Protein change: p.Ala18Asp; replaces alanine 18 with aspartic acid.
Molecular consequence: missense variant. On other transcripts: non-coding transcript variant (1).
Genome position (GRCh38, 1-based): chr15:77,018,164, C>A. VCF-style: chr15-77018164-C-A. GRCh37 (hg19) VCF-style: chr15-77310505-C-A.
Other names: c.53C>A, p.Ala18Asp (NM_001321135.2, NM_001411086.1); c.26C>A, p.Ala9Asp (NM_001321136.2); c.248C>A, p.Ala83Asp (NM_001321137.1); short protein forms A18D, A83D, A9D.
Identifiers: ClinVar variation 1710842 (VCV001710842.2), dbSNP rs1277032061, ClinGen allele CA393518164.